The following is an entry in ClinVar:

ClinVar aggregate classification (germline): Uncertain significance (1 of 4 stars; one submission).

Submission:

GeneDx
Classification: Uncertain significance. Last evaluated: 2025-02-14. Review status: criteria provided, single submitter. Criteria: GeneDx Variant Classification Process June 2021. Collection method: clinical testing. Allele origin: germline. Affected: yes.
Comment: Not observed at significant frequency in large population cohorts (gnomAD); In silico analysis supports that this missense variant has a deleterious effect on protein structure/function; Has not been previously published as pathogenic or benign to our knowledge

NM_004114.5(FGF13):c.185C>T (p.Pro62Leu)

Gene: FGF13 (fibroblast growth factor 13; minus strand). Cytogenetic location: Xq26.3.
Variant type: single nucleotide variant.
Coding change: c.185C>T on transcript NM_004114.5 (MANE Select); coding-DNA position 185, C replaced by T.
Protein change: p.Pro62Leu; replaces proline 62 with leucine.
Molecular consequence: missense variant. On other transcripts: intron variant (5).
Genome position (GRCh38, 1-based): chrX:138,710,819, G>A on the plus strand (C>T on the coding strand, the complement: FGF13 is on the minus strand). VCF-style: chrX-138710819-G-A. GRCh37 (hg19) VCF-style: chrX-137792981-G-A.
Other names: c.50-1891C>T (NM_001139498.2); c.218-1891C>T (NM_001139500.2); c.131-1891C>T (NM_001139501.2, NM_001139502.2); c.29-1891C>T (NM_033642.3); short protein forms P62L.
Identifiers: ClinVar variation 4075601 (VCV004075601.1).
Genomic context (GRCh38, chrX:138,710,819, plus strand): 5'-CACCGCCCCCACCTCACTCGTAAAGTATGGGGAAAAGAAAGCAAAAGCCCTTTCCGACCT[G>A]GTCTTCTTCTGCGCCTCTTCTTGGAGCCGAAGAGTTTGACCCGGGAAAAGACATTTAACT-3'
Protein context (NP_004105.1, residues 52-72): FGSKKRRRRR[Pro62Leu]EPQLKGIVTK